The following is an entry in ClinVar:

ClinVar aggregate classification (germline): Likely pathogenic (1 of 4 stars; one submission).

Conditions:
Ectodermal dysplasia 12, hypohidrotic/hair/tooth/nail type (ECTD12). Identifiers: MedGen C4310616, MONDO:0015024, OMIM 617337.

Submission:

3billion
Classification: Likely pathogenic for Ectodermal dysplasia 12, hypohidrotic/hair/tooth/nail type. Last evaluated: 2025-08-29. Review status: criteria provided, single submitter. Criteria: ACMG Guidelines, 2015. Collection method: clinical testing. Allele origin: germline. Affected: yes.
Comment: The variant is not observed in the gnomAD v4.1.0 dataset. Predicted Consequence/Location: Missense variant. Missense changes are a common disease-causing mechanism. In silico tool predictions suggest no damaging effect of the variant on gene or gene product [REVEL: 0.29 (<0.4); 3Cnet: 0.05 (<0.1, specificity 0.84 and negative predicitive value 0.97)]. The same nucleotide change resulting in the same amino acid change has been previously reported to be associated with KDF1-related disorder (PMID: 37144643). The variant has been previously reported as de novo in a similarly affected individual (PMID: 37144643). Therefore, this variant is classified as Likely pathogenic according to the recommendation of ACMG/AMP guideline.

Literature cited by the submitters: PubMed 37144643.

NM_152365.3(KDF1):c.760C>T (p.His254Tyr)

Gene: KDF1 (keratinocyte differentiation factor 1; minus strand). Cytogenetic location: 1p36.11.
Variant type: single nucleotide variant.
Coding change: c.760C>T on transcript NM_152365.3 (MANE Select); coding-DNA position 760, C replaced by T.
Protein change: p.His254Tyr; replaces histidine 254 with tyrosine.
Molecular consequence: missense variant.
Genome position (GRCh38, 1-based): chr1:26,951,621, G>A on the plus strand (C>T on the coding strand, the complement: KDF1 is on the minus strand). VCF-style: chr1-26951621-G-A. GRCh37 (hg19) VCF-style: chr1-27278112-G-A.
Other names: short protein forms H254Y.
Identifiers: ClinVar variation 4854153 (VCV004854153.1).